The following is an entry in ClinVar:

NM_001127392.3(MYRF):c.1415del (p.Thr472fs)

Gene: MYRF (myelin regulatory factor; plus strand). Cytogenetic location: 11q12.2.
Variant type: Deletion.
Coding change: c.1415del on transcript NM_001127392.3 (MANE Select); coding-DNA position 1415, one base deleted (C; older notation c.1415delC).
Protein change: p.Thr472fs; shifts the reading frame from threonine 472.
Molecular consequence: frameshift variant.
Genome position (GRCh38, 1-based): chr11:61,776,348, C deleted. VCF-style (leftmost placement, unchanged base first): chr11-61776347-AC-A. GRCh37 (hg19) VCF-style: chr11-61543819-AC-A.
Other names: c.1388del, p.Thr463fs (NM_013279.4); short protein forms T463fs, T472fs.
Identifiers: ClinVar variation 2631584 (VCV002631584.1), dbSNP rs2540949362, ClinGen allele CA2695201138.
Genomic context (GRCh38, chr11:61,776,347, plus strand): 5'-CCCTGCCCCCTGAGCACCCTGCCTCTCCTCTGCAGGGTCAATCTGCCCCCTGAGCAGGTC[AC>A]GAAGGTGACTGTGGGGCGGCTGCACTTCAGCGAGACCACCGCTAACAACATGCGTAAGAA-3'

ClinVar aggregate classification (germline): Likely pathogenic (1 of 4 stars; one submission).

Conditions:
MYRF-related disorder. Also called: MYRF-related condition; MYRF-related disorders.

Submission:

PreventionGenetics, part of Exact Sciences
Classification: Likely pathogenic for MYRF-related condition. Last evaluated: 2023-07-05. Review status: criteria provided, single submitter. Criteria: ACMG Guidelines, 2015. Collection method: clinical testing. Allele origin: germline.
Comment: The MYRF c.1415delC variant is predicted to result in a frameshift and premature protein termination (p.Thr472Argfs*3). To our knowledge, this variant has not been reported in the literature or in a large population database, indicating this variant is rare. Frameshift variants in MYRF are expected to be pathogenic. This variant is interpreted as likely pathogenic.